The following is an entry in ClinVar:

NM_024675.4(PALB2):c.2525C>T (p.Ala842Val)

Gene: PALB2 (partner and localizer of BRCA2; minus strand). Cytogenetic location: 16p12.2.
Variant type: single nucleotide variant.
Coding change: c.2525C>T on transcript NM_024675.4 (MANE Select); coding-DNA position 2525, C replaced by T.
Protein change: p.Ala842Val; replaces alanine 842 with valine.
Molecular consequence: missense variant. On other transcripts: intron variant (1).
Genome position (GRCh38, 1-based): chr16:23,629,265, G>A on the plus strand (C>T on the coding strand, the complement: PALB2 is on the minus strand). VCF-style: chr16-23629265-G-A. GRCh37 (hg19) VCF-style: chr16-23640586-G-A.
Other names: c.2465C>T, p.Ala822Val (NM_001407296.1); c.2525C>T, p.Ala842Val (NM_001407298.1, NM_001407299.1, NM_001407300.1 and 2 more transcripts); c.1640C>T, p.Ala547Val (NM_001407304.1, NM_001407305.1, NM_001407306.1 and 5 more transcripts); c.737C>T, p.Ala246Val (NM_001407312.1, NM_001407313.1); c.59C>T, p.Ala20Val (NM_001407314.1); c.2514+375C>T (NM_001407297.1); short protein forms A822V, A20V, A547V, A246V, A842V.
Identifiers: ClinVar variation 3413432 (VCV003413432.3).

ClinVar aggregate classification (germline): Uncertain significance. Review status: criteria provided, multiple submitters, no conflicts (2 of 4 stars). 2 submissions from 2 submitters: Uncertain significance (2). Last evaluated 2025-02-16.

Conditions:
Familial cancer of breast. Also called: BREAST CANCER, FAMILIAL; Hereditary breast cancer; hereditary breast carcinoma. Identifiers: Orphanet 227535, MedGen C0346153, MONDO:0016419, OMIM 114480. Disease mechanism: loss of function.
Hereditary cancer-predisposing syndrome. Also called: Neoplastic Syndromes, Hereditary; Tumor predisposition; Hereditary Cancer Syndrome; Hereditary neoplastic syndrome. Identifiers: Orphanet 140162, MedGen C0027672, MeSH D009386, MONDO:0015356.

Submissions (2):

Labcorp Genetics (formerly Invitae), Labcorp
Classification: Uncertain significance for Familial cancer of breast. Last evaluated: 2025-02-16. Review status: criteria provided, single submitter. Criteria: Invitae Variant Classification Sherloc (09022015). Collection method: clinical testing. Allele origin: germline.
Comment: This sequence change replaces alanine, which is neutral and non-polar, with valine, which is neutral and non-polar, at codon 842 of the PALB2 protein (p.Ala842Val). This variant is not present in population databases (gnomAD no frequency). This variant has not been reported in the literature in individuals affected with PALB2-related conditions. ClinVar contains an entry for this variant (Variation ID: 3413432). Invitae Evidence Modeling of protein sequence and biophysical properties (such as structural, functional, and spatial information, amino acid conservation, physicochemical variation, residue mobility, and thermodynamic stability) indicates that this missense variant is not expected to disrupt PALB2 protein function with a negative predictive value of 80%. In summary, the available evidence is currently insufficient to determine the role of this variant in disease. Therefore, it has been classified as a Variant of Uncertain Significance.

Ambry Genetics
Classification: Uncertain significance for Hereditary cancer-predisposing syndrome. Last evaluated: 2024-06-25. Review status: criteria provided, single submitter. Criteria: Ambry Variant Classification Scheme 2023. Collection method: clinical testing. Allele origin: germline.
Comment: The p.A842V variant (also known as c.2525C>T), located in coding exon 6 of the PALB2 gene, results from a C to T substitution at nucleotide position 2525. The alanine at codon 842 is replaced by valine, an amino acid with similar properties. This amino acid position is conserved. In addition, this alteration is predicted to be tolerated by in silico analysis. Based on the available evidence, the clinical significance of this variant remains unclear.